The following is an entry in ClinVar:

ClinVar aggregate classification (germline): Uncertain significance (1 of 4 stars; one submission).

gnomAD v4.1: 50 of 1,614,134 alleles (0.0031%); highest among the groups gnomAD compares: Non-Finnish European, 0.0042%; no homozygotes.

Submission:

Labcorp Genetics (formerly Invitae), Labcorp
Classification: Uncertain significance. Last evaluated: 2025-07-05. Review status: criteria provided, single submitter. Criteria: Invitae Variant Classification Sherloc (09022015). Collection method: clinical testing. Allele origin: germline.
Comment: This sequence change replaces alanine, which is neutral and non-polar, with serine, which is neutral and polar, at codon 2672 of the COL7A1 protein (p.Ala2672Ser). This variant is present in population databases (rs770335015, gnomAD 0.002%). This variant has not been reported in the literature in individuals affected with COL7A1-related conditions. Invitae Evidence Modeling of protein sequence and biophysical properties (such as structural, functional, and spatial information, amino acid conservation, physicochemical variation, residue mobility, and thermodynamic stability) indicates that this missense variant is not expected to disrupt COL7A1 protein function with a negative predictive value of 95%. In summary, the available evidence is currently insufficient to determine the role of this variant in disease. Therefore, it has been classified as a Variant of Uncertain Significance.

NM_000094.4(COL7A1):c.8014G>T (p.Ala2672Ser)

Gene: COL7A1 (collagen type VII alpha 1 chain; minus strand). Cytogenetic location: 3p21.31.
Variant type: single nucleotide variant.
Coding change: c.8014G>T on transcript NM_000094.4 (MANE Select); coding-DNA position 8014, G replaced by T.
Protein change: p.Ala2672Ser; replaces alanine 2672 with serine.
Molecular consequence: missense variant.
Genome position (GRCh38, 1-based): chr3:48,567,606, C>A on the plus strand (G>T on the coding strand, the complement: COL7A1 is on the minus strand). VCF-style: chr3-48567606-C-A. GRCh37 (hg19) VCF-style: chr3-48605039-C-A.
Other names: short protein forms A2672S.
Identifiers: ClinVar variation 4727829 (VCV004727829.1).
Genomic context (GRCh38, chr3:48,567,606, plus strand): 5'-TCATGTCCACTGTCCACAGACCCTGTACCTTGGGACCGATCAGGCCCTCCTTGCCAGGGG[C>A]CCCCGACTGGCCCGGCACACCAGGCTCCCCCTGGAGAAAAAAAGACATGAACTTGGCCCC-3'
Protein context (NP_000085.1, residues 2662-2682): GEPGVPGQSG[Ala2672Ser]PGKEGLIGPK